The following is an entry in ClinVar:

ClinVar aggregate classification (germline): Uncertain significance (1 of 4 stars; one submission).

Submission:

Labcorp Genetics (formerly Invitae), Labcorp
Classification: Uncertain significance. Last evaluated: 2022-07-12. Review status: criteria provided, single submitter. Criteria: Invitae Variant Classification Sherloc (09022015). Collection method: clinical testing. Allele origin: germline.
Comment: In summary, the available evidence is currently insufficient to determine the role of this variant in disease. Therefore, it has been classified as a Variant of Uncertain Significance. Algorithms developed to predict the effect of missense changes on protein structure and function output the following: SIFT: "Tolerated"; PolyPhen-2: "Benign"; Align-GVGD: "Class C0". The valine amino acid residue is found in multiple mammalian species, which suggests that this missense change does not adversely affect protein function. This variant has not been reported in the literature in individuals affected with PROM1-related conditions. This variant is not present in population databases (gnomAD no frequency). This sequence change replaces isoleucine, which is neutral and non-polar, with valine, which is neutral and non-polar, at codon 54 of the PROM1 protein (p.Ile54Val).

NM_006017.3(PROM1):c.160A>G (p.Ile54Val)

Gene: PROM1 (prominin 1; minus strand). Cytogenetic location: 4p15.32.
Variant type: single nucleotide variant.
Coding change: c.160A>G on transcript NM_006017.3 (MANE Select); coding-DNA position 160, A replaced by G.
Protein change: p.Ile54Val; replaces isoleucine 54 with valine.
Molecular consequence: missense variant.
Genome position (GRCh38, 1-based): chr4:16,075,747, T>C on the plus strand (A>G on the coding strand, the complement: PROM1 is on the minus strand). VCF-style: chr4-16075747-T-C. GRCh37 (hg19) VCF-style: chr4-16077370-T-C.
Other names: c.160A>G, p.Ile54Val (NM_001145847.2, NM_001145848.2, NM_001145849.2 and 6 more transcripts); short protein forms I54V.
Identifiers: ClinVar variation 2072690 (VCV002072690.4), dbSNP rs2531580891, ClinGen allele CA356437809.